The following is an entry in ClinVar:

NM_014822.4(SEC24D):c.2566C>A (p.Leu856Ile)

Gene: SEC24D (SEC24 homolog D, COPII coat complex component; minus strand). Cytogenetic location: 4q26.
Variant type: single nucleotide variant.
Coding change: c.2566C>A on transcript NM_014822.4 (MANE Select); coding-DNA position 2566, C replaced by A.
Protein change: p.Leu856Ile; replaces leucine 856 with isoleucine.
Molecular consequence: missense variant.
Genome position (GRCh38, 1-based): chr4:118,732,843, G>T on the plus strand (C>A on the coding strand, the complement: SEC24D is on the minus strand). VCF-style: chr4-118732843-G-T. GRCh37 (hg19) VCF-style: chr4-119653998-G-T.
Other names: c.2569C>A, p.Leu857Ile (NM_001318066.2); c.2566C>A (NM_014822.2); short protein forms L857I, L856I.
Identifiers: ClinVar variation 1494898 (VCV001494898.5), dbSNP rs138684864, ClinGen allele CA3056934.

ClinVar aggregate classification (germline): Uncertain significance. Review status: criteria provided, multiple submitters, no conflicts (2 of 4 stars). 2 submissions from 2 submitters: Uncertain significance (2). Last evaluated 2024-03-30.

Conditions:
Inborn genetic diseases. Identifiers: MedGen C0950123, MeSH D030342.

Allele frequency attached by ClinVar (database versions not stated): gnomAD exomes 0.00006; ExAC 0.00007; ESP Exome Variant Server 0.00015; 1000 Genomes Project 30x 0.00016; 1000 Genomes Project 0.00020; gnomAD 0.00020 and 0.00021; TOPMed 0.00022.
gnomAD v4.1: 64 of 1,614,032 alleles (0.004%); highest among the groups gnomAD compares: African/African-American, 0.081%; no homozygotes.

Submissions (2):

Ambry Genetics
Classification: Uncertain significance for Inborn genetic diseases. Last evaluated: 2024-03-30. Review status: criteria provided, single submitter. Criteria: Ambry Variant Classification Scheme 2023. Collection method: clinical testing. Allele origin: germline.

Labcorp Genetics (formerly Invitae), Labcorp
Classification: Uncertain significance. Last evaluated: 2022-06-27. Review status: criteria provided, single submitter. Criteria: Invitae Variant Classification Sherloc (09022015). Collection method: clinical testing. Allele origin: germline.
Comment: This sequence change replaces leucine, which is neutral and non-polar, with isoleucine, which is neutral and non-polar, at codon 856 of the SEC24D protein (p.Leu856Ile). This variant is present in population databases (rs138684864, gnomAD 0.1%). This variant has not been reported in the literature in individuals affected with SEC24D-related conditions. Algorithms developed to predict the effect of missense changes on protein structure and function are either unavailable or do not agree on the potential impact of this missense change (SIFT: "Not Available"; PolyPhen-2: "Benign"; Align-GVGD: "Not Available"). In summary, the available evidence is currently insufficient to determine the role of this variant in disease. Therefore, it has been classified as a Variant of Uncertain Significance.